The following is an entry in ClinVar:

NM_172362.3(KCNH1):c.1201G>C (p.Gly401Arg)

Gene: KCNH1 (potassium voltage-gated channel subfamily H member 1; minus strand). Cytogenetic location: 1q32.2.
Variant type: single nucleotide variant.
Coding change: c.1201G>C on transcript NM_172362.3 (MANE Select); coding-DNA position 1201, G replaced by C.
Protein change: p.Gly401Arg; replaces glycine 401 with arginine.
Molecular consequence: missense variant.
Genome position (GRCh38, 1-based): chr1:210,919,901, C>G on the plus strand (G>C on the coding strand, the complement: KCNH1 is on the minus strand). VCF-style: chr1-210919901-C-G. GRCh37 (hg19) VCF-style: chr1-211093243-C-G.
Other names: c.1120G>C, p.Gly374Arg (NM_002238.4); short protein forms G374R, G401R.
Identifiers: ClinVar variation 3234026 (VCV003234026.1), dbSNP rs2527120499, ClinGen allele CA344873613.

ClinVar aggregate classification (germline): Uncertain significance (1 of 4 stars; one submission).

Conditions:
Temple-Baraitser syndrome (TMBTS). Also called: Severe mental retardation and absent nails of hallux and pollex. Identifiers: Orphanet 420561, MedGen C2678486, MONDO:0012735, OMIM 611816.

Submission:

MVZ Medizinische Genetik Mainz
Classification: Uncertain significance for Temple-Baraitser syndrome. Last evaluated: 2024-01-04. Review status: criteria provided, single submitter. Criteria: UK Practice Guidelines For Variant Classification V4 01 2020. Collection method: clinical testing. Allele origin: germline. Inheritance: Autosomal dominant inheritance. Affected: yes. Observed: 1 variant allele.
Comment: ACMG Criteria: PP3_STR,PM2_SUP